The following is an entry in ClinVar:

NM_001370658.1(BTD):c.274G>A (p.Glu92Lys)

Gene: BTD (biotinidase; plus strand). Cytogenetic location: 3p25.1.
Variant type: single nucleotide variant.
Coding change: c.274G>A on transcript NM_001370658.1 (MANE Select); coding-DNA position 274, G replaced by A.
Protein change: p.Glu92Lys; replaces glutamic acid 92 with lysine.
Molecular consequence: missense variant.
Genome position (GRCh38, 1-based): chr3:15,641,932, G>A. VCF-style: chr3-15641932-G-A. GRCh37 (hg19) VCF-style: chr3-15683439-G-A.
Other names: c.334G>A, p.Glu112Lys (NM_000060.4); c.274G>A, p.Glu92Lys (NM_001370753.1, NM_001407364.1, NM_001407365.1 and 36 more transcripts); c.337G>A, p.Glu113Lys (NM_001407381.1); short protein forms E92K, E113K.
Identifiers: ClinVar variation 2734449 (VCV002734449.4), dbSNP rs397514352, ClinGen allele CA278189.

ClinVar aggregate classification (germline): Pathogenic/Likely pathogenic. Review status: criteria provided, multiple submitters, no conflicts (2 of 4 stars). 2 submissions from 2 submitters: Pathogenic (1); Likely pathogenic (1). Last evaluated 2025-04-08.

Conditions:
Biotinidase deficiency. Also called: BTD deficiency; Late-onset biotin-responsive multiple carboxylase deficiency; Biotin deficiency. Identifiers: Orphanet 79241, MedGen C0220754, MONDO:0009665, OMIM 253260.

Allele frequency attached by ClinVar (database versions not stated): gnomAD exomes below 0.00001; ExAC 0.00001.
gnomAD v4.1: 1 of 1,613,328 alleles (0.000062%); highest among the groups gnomAD compares: Non-Finnish European, 0.000085%; no homozygotes.

Submissions (2):

Labcorp Genetics (formerly Invitae), Labcorp
Classification: Pathogenic for Biotinidase deficiency. Last evaluated: 2025-04-08. Review status: criteria provided, single submitter. Criteria: Invitae Variant Classification Sherloc (09022015). Collection method: clinical testing. Allele origin: germline.
Comment: This sequence change replaces glutamic acid, which is acidic and polar, with lysine, which is basic and polar, at codon 112 of the BTD protein (p.Glu112Lys). The frequency data for this variant in the population databases is considered unreliable, as metrics indicate poor data quality at this position in the gnomAD database. This missense change has been observed in individual(s) with biotinidase deficiency (PMID: 14707518). In at least one individual the data is consistent with being in trans (on the opposite chromosome) from a pathogenic variant. ClinVar contains an entry for this variant (Variation ID: 2734449). Invitae Evidence Modeling of protein sequence and biophysical properties (such as structural, functional, and spatial information, amino acid conservation, physicochemical variation, residue mobility, and thermodynamic stability) indicates that this missense variant is expected to disrupt BTD protein function with a positive predictive value of 95%. This variant disrupts the p.Glu112 amino acid residue in BTD. Other variant(s) that disrupt this residue have been determined to be pathogenic (PMID: 9396567). This suggests that this residue is clinically significant, and that variants that disrupt this residue are likely to be disease-causing. For these reasons, this variant has been classified as Pathogenic.

Fulgent Genetics
Classification: Likely pathogenic for Biotinidase deficiency. Last evaluated: 2024-03-05. Review status: criteria provided, single submitter. Criteria: ACMG Guidelines, 2015. Collection method: clinical testing. Allele origin: germline.

Literature cited by the submitters: PubMed 14707518 (cited by Labcorp Genetics (formerly Invitae), Labcorp); PubMed 9396567 (cited by Labcorp Genetics (formerly Invitae), Labcorp).